The following is an entry in ClinVar:

NM_007194.4(CHEK2):c.279G>T (p.Trp93Cys)

Gene: CHEK2 (checkpoint kinase 2; minus strand). Cytogenetic location: 22q12.1.
Variant type: single nucleotide variant.
Coding change: c.279G>T on transcript NM_007194.4 (MANE Select); coding-DNA position 279, G replaced by T.
Protein change: p.Trp93Cys; replaces tryptophan 93 with cysteine.
Molecular consequence: missense variant.
Genome position (GRCh38, 1-based): chr22:28,734,443, C>A on the plus strand (G>T on the coding strand, the complement: CHEK2 is on the minus strand). VCF-style: chr22-28734443-C-A. GRCh37 (hg19) VCF-style: chr22-29130431-C-A.
Other names: c.279G>T, p.Trp93Cys (NM_001005735.3, NM_001349956.3, NM_145862.3); c.-499G>T (NM_001257387.3); short protein forms W93C.
Identifiers: ClinVar variation 1044803 (VCV001044803.12), dbSNP rs587782070, ClinGen allele CA411090400.

ClinVar aggregate classification (germline): Uncertain significance. Review status: criteria provided, multiple submitters, no conflicts (2 of 4 stars). 2 submissions from 2 submitters: Uncertain significance (2). Last evaluated 2024-12-04.

Conditions:
Hereditary cancer-predisposing syndrome. Also called: Hereditary Cancer Syndrome; Tumor predisposition; Hereditary neoplastic syndrome; Neoplastic Syndromes, Hereditary. Identifiers: Orphanet 140162, MedGen C0027672, MeSH D009386, MONDO:0015356.
Familial cancer of breast. Also called: Hereditary breast cancer; hereditary breast carcinoma; BREAST CANCER, FAMILIAL. Identifiers: Orphanet 227535, MedGen C0346153, MONDO:0016419, OMIM 114480. Disease mechanism: loss of function.

gnomAD v4.1: 2 of 1,613,852 alleles (0.00012%); highest among the groups gnomAD compares: South Asian, 0.0022%; no homozygotes.

Submissions (2):

Labcorp Genetics (formerly Invitae), Labcorp
Classification: Uncertain significance for Familial cancer of breast. Last evaluated: 2024-12-04. Review status: criteria provided, single submitter. Criteria: Invitae Variant Classification Sherloc (09022015). Collection method: clinical testing. Allele origin: germline.
Comment: This sequence change replaces tryptophan, which is neutral and slightly polar, with cysteine, which is neutral and slightly polar, at codon 93 of the CHEK2 protein (p.Trp93Cys). This variant is not present in population databases (gnomAD no frequency). This variant has not been reported in the literature in individuals affected with CHEK2-related conditions. ClinVar contains an entry for this variant (Variation ID: 1044803). An algorithm developed to predict the effect of missense changes on protein structure and function (PolyPhen-2) suggests that this variant is likely to be disruptive. In summary, the available evidence is currently insufficient to determine the role of this variant in disease. Therefore, it has been classified as a Variant of Uncertain Significance.

Ambry Genetics
Classification: Uncertain significance for Hereditary cancer-predisposing syndrome. Last evaluated: 2021-03-03. Review status: criteria provided, single submitter. Criteria: Ambry Variant Classification Scheme 2023. Collection method: clinical testing. Allele origin: germline.
Comment: The p.W93C variant (also known as c.279G>T), located in coding exon 1 of the CHEK2 gene, results from a G to T substitution at nucleotide position 279. The tryptophan at codon 93 is replaced by cysteine, an amino acid with highly dissimilar properties. This amino acid position is highly conserved in available vertebrate species. In addition, this alteration is predicted to be deleterious by in silico analysis. Since supporting evidence is limited at this time, the clinical significance of this alteration remains unclear.